The following is an entry in ClinVar:

ClinVar aggregate classification (germline): Uncertain significance (1 of 4 stars; one submission).

Conditions:
RYR1-related disorder. Also called: RYR1-related condition; RYR1-related disorders. Identifiers: MedGen CN239331.

Submission:

Labcorp Genetics (formerly Invitae), Labcorp
Classification: Uncertain significance for RYR1-related disorder. Last evaluated: 2022-07-05. Review status: criteria provided, single submitter. Criteria: Invitae Variant Classification Sherloc (09022015). Collection method: clinical testing. Allele origin: germline.
Comment: In summary, the available evidence is currently insufficient to determine the role of this variant in disease. Therefore, it has been classified as a Variant of Uncertain Significance. Algorithms developed to predict the effect of missense changes on protein structure and function are either unavailable or do not agree on the potential impact of this missense change (SIFT: "Deleterious"; PolyPhen-2: "Benign"; Align-GVGD: "Class C0"). ClinVar contains an entry for this variant (Variation ID: 1377464). This variant has not been reported in the literature in individuals affected with RYR1-related conditions. This variant is not present in population databases (gnomAD no frequency). This sequence change replaces leucine, which is neutral and non-polar, with phenylalanine, which is neutral and non-polar, at codon 2504 of the RYR1 protein (p.Leu2504Phe).

NM_000540.3(RYR1):c.7510C>T (p.Leu2504Phe)

Gene: RYR1 (ryanodine receptor 1; plus strand). Cytogenetic location: 19q13.2.
Variant type: single nucleotide variant.
Coding change: c.7510C>T on transcript NM_000540.3 (MANE Select); coding-DNA position 7510, C replaced by T.
Protein change: p.Leu2504Phe; replaces leucine 2504 with phenylalanine.
Molecular consequence: missense variant.
Genome position (GRCh38, 1-based): chr19:38,500,886, C>T. VCF-style: chr19-38500886-C-T. GRCh37 (hg19) VCF-style: chr19-38991526-C-T.
Other names: c.7510C>T, p.Leu2504Phe (NM_001042723.2); short protein forms L2504F.
Identifiers: ClinVar variation 1377464 (VCV001377464.6), dbSNP rs2145606297, ClinGen allele CA405670357.